The following is an entry in ClinVar:

NM_001042492.3(NF1):c.4062_4078del (p.Ser1355fs)

Gene: NF1 (neurofibromin 1; plus strand). Cytogenetic location: 17q11.2.
Variant type: Deletion.
Coding change: c.4062_4078del on transcript NM_001042492.3 (MANE Select); coding-DNA positions 4062 to 4078, 17 bases deleted (CTCAGAATTCCCCCCTC).
Protein change: p.Ser1355fs; shifts the reading frame from serine 1355.
Molecular consequence: frameshift variant.
Genome position (GRCh38, 1-based): chr17:31,249,071-31,249,087, CTCAGAATTCCCCCCTC deleted; deleting any 17 consecutive bases within chr17:31,249,067-31,249,087 gives the same sequence; the c. name uses the placement nearest the transcript's 3' end. VCF-style (leftmost placement, unchanged base first): chr17-31249066-TCCTCCTCAGAATTCCCC-T. GRCh37 (hg19) VCF-style: chr17-29576084-TCCTCCTCAGAATTCCCC-T.
Other names: c.4062_4078del17, p.Ser1355Thrfs (NM_000267.4); short protein forms S1355fs.
Identifiers: ClinVar variation 2076532 (VCV002076532.4), dbSNP rs2508352015, ClinGen allele CA2580092846.
Genomic context (GRCh38, chr17:31,249,066, plus strand): 5'-GAGGAAAACCAGCGGAACCTCCTTCAGATGACTGAAAAGTTCTTCCATGCCATCATCAGT[TCCTCCTCAGAATTCCCC>T]CCTCAACTTCGAAGTGTGTGCCACTGTTTATACCAGGTATGCTTACAGTTAGAGATTACC-3'

ClinVar aggregate classification (germline): Pathogenic (1 of 4 stars; one submission).

Conditions:
Neurofibromatosis, type 1 (NF1). Also called: Neurofibromatosis, type I; VON RECKLINGHAUSEN DISEASE; NEUROFIBROMATOSIS, TYPE I, SOMATIC; Peripheral type neurofibromatosis. Identifiers: Orphanet 636, MedGen C0027831, MONDO:0018975, OMIM 162200. Disease mechanism: loss of function.

Submission:

Labcorp Genetics (formerly Invitae), Labcorp
Classification: Pathogenic for Neurofibromatosis, type 1. Last evaluated: 2022-01-06. Review status: criteria provided, single submitter. Criteria: Invitae Variant Classification Sherloc (09022015). Collection method: clinical testing. Allele origin: germline.
Comment: This variant is not present in population databases (gnomAD no frequency). This sequence change creates a premature translational stop signal (p.Ser1355Thrfs*13) in the NF1 gene. It is expected to result in an absent or disrupted protein product. Loss-of-function variants in NF1 are known to be pathogenic (PMID: 10712197, 23913538). This variant has not been reported in the literature in individuals affected with NF1-related conditions. For these reasons, this variant has been classified as Pathogenic.

Literature cited by the submitters: PubMed 10712197; PubMed 23913538.